The following is an entry in ClinVar:

NM_004364.5(CEBPA):c.326C>G (p.Pro109Arg)

Gene: CEBPA (CCAAT enhancer binding protein alpha; minus strand). Cytogenetic location: 19q13.11.
Variant type: single nucleotide variant.
Coding change: c.326C>G on transcript NM_004364.5 (MANE Select); coding-DNA position 326, C replaced by G.
Protein change: p.Pro109Arg; replaces proline 109 with arginine.
Molecular consequence: missense variant. On other transcripts: 5 prime UTR variant (1).
Genome position (GRCh38, 1-based): chr19:33,302,089, G>C on the plus strand (C>G on the coding strand, the complement: CEBPA is on the minus strand). VCF-style: chr19-33302089-G-C. GRCh37 (hg19) VCF-style: chr19-33792995-G-C.
Other names: c.-32C>G (NM_001285829.2); c.431C>G, p.Pro144Arg (NM_001287424.2); c.284C>G, p.Pro95Arg (NM_001287435.2); short protein forms P144R, P95R, P109R.
Identifiers: ClinVar variation 4843302 (VCV004843302.1).

ClinVar aggregate classification (germline): Uncertain significance (1 of 4 stars; one submission).

Conditions:
Inborn genetic diseases. Identifiers: MedGen C0950123, MeSH D030342.

Submission:

Ambry Genetics
Classification: Uncertain significance for Inborn genetic diseases. Last evaluated: 2026-01-14. Review status: criteria provided, single submitter. Criteria: Ambry Variant Classification Scheme 2023. Collection method: clinical testing. Allele origin: germline.
Comment: The p.P109R variant (also known as c.326C>G), located in coding exon 1 of the CEBPA gene, results from a C to G substitution at nucleotide position 326. The proline at codon 109 is replaced by arginine, an amino acid with dissimilar properties. This amino acid position is conserved. In addition, this alteration is predicted to be tolerated by in silico analysis. Based on the available evidence, the clinical significance of this variant remains unclear.